The following is an entry in ClinVar:

NM_031471.6(FERMT3):c.1364G>A (p.Arg455His)

Gene: FERMT3 (FERM domain containing kindlin 3; plus strand). Cytogenetic location: 11q13.1.
Variant type: single nucleotide variant.
Coding change: c.1364G>A on transcript NM_031471.6 (MANE Select); coding-DNA position 1364, G replaced by A.
Protein change: p.Arg455His; replaces arginine 455 with histidine.
Molecular consequence: missense variant.
Genome position (GRCh38, 1-based): chr11:64,220,488, G>A. VCF-style: chr11-64220488-G-A. GRCh37 (hg19) VCF-style: chr11-63987960-G-A.
Other names: c.1364G>A, p.Arg455His (NM_001382361.1, NM_001382448.1); c.1376G>A, p.Arg459His (NM_001382362.1, NM_178443.3); c.824G>A, p.Arg275His (NM_001382363.1); c.836G>A, p.Arg279His (NM_001382364.1); short protein forms R275H, R279H, R455H, R459H.
Identifiers: ClinVar variation 1026263 (VCV001026263.6), dbSNP rs763449183, ClinGen allele CA6069143.

ClinVar aggregate classification (germline): Uncertain significance (1 of 4 stars; one submission).

Conditions:
Leukocyte adhesion deficiency 3. Also called: Leukocyte adhesion deficiency, type III; INTEGRIN ACTIVATION DEFICIENCY DISEASE; LEUKOCYTE ADHESION DEFICIENCY 1 VARIANT. Identifiers: Orphanet 2968, Orphanet 99844, MedGen C2748536, MONDO:0013016, OMIM 612840.

Allele frequency attached by ClinVar (database versions not stated): ExAC 0.00001; gnomAD exomes 0.00002; TOPMed 0.00002; gnomAD 0.00003.
gnomAD v4.1: 28 of 1,608,852 alleles (0.0017%); highest among the groups gnomAD compares: African/African-American, 0.0053%; no homozygotes.

Submission:

Labcorp Genetics (formerly Invitae), Labcorp
Classification: Uncertain significance for Leukocyte adhesion deficiency 3. Last evaluated: 2020-03-05. Review status: criteria provided, single submitter. Criteria: Invitae Variant Classification Sherloc (09022015). Collection method: clinical testing. Allele origin: germline.
Comment: This variant is present in population databases (rs763449183, ExAC 0.01%). This sequence change replaces arginine with histidine at codon 455 of the FERMT3 protein (p.Arg455His). The arginine residue is highly conserved and there is a small physicochemical difference between arginine and histidine. This variant has not been reported in the literature in individuals with FERMT3-related conditions. In summary, the available evidence is currently insufficient to determine the role of this variant in disease. Therefore, it has been classified as a Variant of Uncertain Significance. Algorithms developed to predict the effect of missense changes on protein structure and function are either unavailable or do not agree on the potential impact of this missense change (SIFT: "Deleterious"; PolyPhen-2: "Possibly Damaging"; Align-GVGD: "Class C0").